The following is an entry in ClinVar:

ClinVar aggregate classification (germline): Uncertain significance. Review status: criteria provided, multiple submitters, no conflicts (2 of 4 stars). 2 submissions from 2 submitters: Uncertain significance (2). Last evaluated 2025-06-02.

Conditions:
Inborn genetic diseases. Identifiers: MedGen C0950123, MeSH D030342.
Pitt-Hopkins-like syndrome 2 (PTHSL2). Identifiers: Orphanet 221150, Orphanet 600663, MedGen C3280479, MONDO:0013690, OMIM 614325.

Allele frequency attached by ClinVar (database versions not stated): ExAC 0.00002.
gnomAD v4.1: 2 of 1,613,388 alleles (0.00012%); highest among the groups gnomAD compares: Admixed American, 0.0017%; no homozygotes.

Submissions (2):

Labcorp Genetics (formerly Invitae), Labcorp
Classification: Uncertain significance for Pitt-Hopkins-like syndrome 2. Last evaluated: 2025-06-02. Review status: criteria provided, single submitter. Criteria: Invitae Variant Classification Sherloc (09022015). Collection method: clinical testing. Allele origin: germline.
Comment: This sequence change replaces alanine, which is neutral and non-polar, with serine, which is neutral and polar, at codon 813 of the NRXN1 protein (p.Ala813Ser). This variant is present in population databases (rs199548487, gnomAD 0.006%). This variant has not been reported in the literature in individuals affected with NRXN1-related conditions. ClinVar contains an entry for this variant (Variation ID: 1058810). An algorithm developed to predict the effect of missense changes on protein structure and function (PolyPhen-2) suggests that this variant is likely to be tolerated. In summary, the available evidence is currently insufficient to determine the role of this variant in disease. Therefore, it has been classified as a Variant of Uncertain Significance.

Ambry Genetics
Classification: Uncertain significance for Inborn genetic diseases. Last evaluated: 2022-12-28. Review status: criteria provided, single submitter. Criteria: Ambry Variant Classification Scheme 2023. Collection method: clinical testing. Allele origin: germline.

NM_001330078.2(NRXN1):c.2317G>T (p.Ala773Ser)

Gene: NRXN1 (neurexin 1; minus strand). Cytogenetic location: 2p16.3.
Variant type: single nucleotide variant.
Coding change: c.2317G>T on transcript NM_001330078.2 (MANE Select); coding-DNA position 2317, G replaced by T.
Protein change: p.Ala773Ser; replaces alanine 773 with serine.
Molecular consequence: missense variant.
Genome position (GRCh38, 1-based): chr2:50,531,257, C>A on the plus strand (G>T on the coding strand, the complement: NRXN1 is on the minus strand). VCF-style: chr2-50531257-C-A. GRCh37 (hg19) VCF-style: chr2-50758395-C-A.
Other names: c.2437G>T (NM_001135659.1); c.2437G>T, p.Ala813Ser (NM_001135659.3); c.2293G>T, p.Ala765Ser (NM_001330077.2, NM_001330082.2, NM_001330095.2); c.2278G>T, p.Ala760Ser (NM_001330083.2, NM_001330084.2); c.2317G>T, p.Ala773Ser (NM_001330085.2, NM_001330086.2, NM_004801.6); c.2233G>T, p.Ala745Ser (NM_001330087.2, NM_001330096.2); c.2263G>T, p.Ala755Ser (NM_001330088.2); c.2314G>T, p.Ala772Ser (NM_001330093.2); and 1 more; short protein forms A745S, A755S, A760S, A765S, A769S, A772S, A773S, A813S.
Identifiers: ClinVar variation 1058810 (VCV001058810.10), dbSNP rs199548487, ClinGen allele CA1654874.
Genomic context (GRCh38, chr2:50,531,257, plus strand): 5'-TTAGTTCAATGGGGGAAGGCAGGTTGTTACCTAGATTGACCGTCAGTTTCACACGTCCTG[C>A]GTCTAGCTCCAGGCGGAGGGTGTCAGCAGAGTCTCTAGAAGTGGTTGCCATCAGAATGCC-3'
Protein context (NP_001317007.1, residues 763-783): SADTLRLELD[Ala773Ser]GRVKLTVNLD